The following is an entry in ClinVar:

NM_001184900.3(CARD8):c.490C>T (p.Pro164Ser)

Gene: CARD8 (caspase recruitment domain family member 8; minus strand). Cytogenetic location: 19q13.33.
Variant type: single nucleotide variant.
Coding change: c.490C>T on transcript NM_001184900.3 (MANE Select); coding-DNA position 490, C replaced by T.
Protein change: p.Pro164Ser; replaces proline 164 with serine.
Molecular consequence: missense variant. On other transcripts: non-coding transcript variant (4).
Genome position (GRCh38, 1-based): chr19:48,231,712, G>A on the plus strand (C>T on the coding strand, the complement: CARD8 is on the minus strand). VCF-style: chr19-48231712-G-A. GRCh37 (hg19) VCF-style: chr19-48734969-G-A.
Other names: c.340C>T, p.Pro114Ser (NM_001184901.1, NM_001351788.2, NM_001351789.2 and 2 more transcripts); c.490C>T, p.Pro164Ser (NM_001184902.2, NM_001184903.1, NM_001351782.2); c.175C>T, p.Pro59Ser (NM_001351784.2, NM_001351787.2, NM_001351791.2 and 2 more transcripts); c.154C>T, p.Pro52Ser (NM_001351786.2); c.247C>T, p.Pro83Ser (NM_001351790.2); short protein forms P164S, P59S, P114S, P52S, P83S.
Identifiers: ClinVar variation 4770724 (VCV004770724.1).

ClinVar aggregate classification (germline): Uncertain significance (1 of 4 stars; one submission).

gnomAD v4.1: 1 of 1,612,718 alleles (0.000062%); highest among the groups gnomAD compares: South Asian, 0.0011%; no homozygotes.

Submission:

Labcorp Genetics (formerly Invitae), Labcorp
Classification: Uncertain significance. Last evaluated: 2026-01-09. Review status: criteria provided, single submitter. Criteria: Invitae Variant Classification Sherloc (09022015). Collection method: clinical testing. Allele origin: germline.
Comment: This sequence change replaces proline, which is neutral and non-polar, with serine, which is neutral and polar, at codon 114 of the CARD8 protein (p.Pro114Ser). This variant is not present in population databases (gnomAD no frequency). This variant has not been reported in the literature in individuals affected with CARD8-related conditions. An algorithm developed to predict the effect of missense changes on protein structure and function (PolyPhen-2) suggests that this variant is likely to be disruptive. In summary, the available evidence is currently insufficient to determine the role of this variant in disease. Therefore, it has been classified as a Variant of Uncertain Significance.